The following is an entry in ClinVar:

ClinVar aggregate classification (germline): Uncertain significance (1 of 4 stars; one submission).

Conditions:
Hereditary cancer-predisposing syndrome. Also called: Tumor predisposition; Hereditary neoplastic syndrome; Hereditary Cancer Syndrome; Neoplastic Syndromes, Hereditary. Identifiers: Orphanet 140162, MedGen C0027672, MeSH D009386, MONDO:0015356.

Submission:

Ambry Genetics
Classification: Uncertain significance for Hereditary cancer-predisposing syndrome. Last evaluated: 2024-01-11. Review status: criteria provided, single submitter. Criteria: Ambry Variant Classification Scheme 2023. Collection method: clinical testing. Allele origin: germline.
Comment: The p.F387V variant (also known as c.1159T>G), located in coding exon 8 of the BMPR1A gene, results from a T to G substitution at nucleotide position 1159. The phenylalanine at codon 387 is replaced by valine, an amino acid with highly similar properties. This amino acid position is conserved. In addition, this alteration is predicted to be deleterious by in silico analysis. Since supporting evidence is limited at this time, the clinical significance of this alteration remains unclear.

NM_004329.3(BMPR1A):c.1159T>G (p.Phe387Val)

Gene: BMPR1A (bone morphogenetic protein receptor type 1A; plus strand). Cytogenetic location: 10q23.2.
Variant type: single nucleotide variant.
Coding change: c.1159T>G on transcript NM_004329.3 (MANE Select); coding-DNA position 1159, T replaced by G.
Protein change: p.Phe387Val; replaces phenylalanine 387 with valine.
Molecular consequence: missense variant. On other transcripts: non-coding transcript variant (3).
Genome position (GRCh38, 1-based): chr10:86,919,462, T>G. VCF-style: chr10-86919462-T-G. GRCh37 (hg19) VCF-style: chr10-88679219-T-G.
Other names: c.1234T>G, p.Phe412Val (NM_001406559.1); c.1207T>G, p.Phe403Val (NM_001406560.1); c.1159T>G, p.Phe387Val (NM_001406561.1, NM_001406562.1, NM_001406563.1 and 19 more transcripts); c.1153T>G, p.Phe385Val (NM_001406583.1); c.1075T>G, p.Phe359Val (NM_001406584.1, NM_001406585.1, NM_001406586.1 and 2 more transcripts); c.817T>G, p.Phe273Val (NM_001406589.1); short protein forms F273V, F359V, F385V, F387V, F403V, F412V.
Identifiers: ClinVar variation 3223940 (VCV003223940.1), dbSNP rs2539623944, ClinGen allele CA377461320.